The following is an entry in ClinVar:

ClinVar aggregate classification (germline): Uncertain significance (1 of 4 stars; one submission).

Submission:

Labcorp Genetics (formerly Invitae), Labcorp
Classification: Uncertain significance. Last evaluated: 2025-03-16. Review status: criteria provided, single submitter. Criteria: Invitae Variant Classification Sherloc (09022015). Collection method: clinical testing. Allele origin: germline.
Comment: This sequence change falls in intron 4 of the ANKRD26 gene. It does not directly change the encoded amino acid sequence of the ANKRD26 protein. Information on the frequency of this variant in the gnomAD database is not available, as this variant may be reported differently in the database. This variant has not been reported in the literature in individuals affected with ANKRD26-related conditions. Experimental studies and prediction algorithms are not available or were not evaluated, and the effect of this variant on mRNA splicing is currently unknown. In summary, the available evidence is currently insufficient to determine the role of this variant in disease. Therefore, it has been classified as a Variant of Uncertain Significance.

NM_014915.3(ANKRD26):c.639-11_639-10delinsAA

Gene: ANKRD26 (ankyrin repeat domain 26; minus strand). Cytogenetic location: 10p12.1.
Variant type: Indel.
Coding change: c.639-11_639-10delinsAA on transcript NM_014915.3 (MANE Select); 11 bases into the intron before coding-DNA position 639 through 10 bases into the intron before coding-DNA position 639, TC replaced by AA.
Molecular consequence: intron variant.
Genome position (GRCh38, 1-based): chr10:27,086,619-27,086,620, GA replaced by TT on the plus strand (TC replaced by AA on the coding strand, the reverse complement: ANKRD26 is on the minus strand). VCF-style: chr10-27086619-GA-TT. GRCh37 (hg19) VCF-style: chr10-27375548-GA-TT.
Other names: c.639-11_639-10delinsAA (NM_001256053.2).
Identifiers: ClinVar variation 4751569 (VCV004751569.1).